The following is an entry in ClinVar:

NM_182643.3(DLC1):c.1102G>A (p.Asp368Asn)

Gene: DLC1 (DLC1 Rho GTPase activating protein; minus strand). Cytogenetic location: 8p22.
Variant type: single nucleotide variant.
Coding change: c.1102G>A on transcript NM_182643.3 (MANE Select); coding-DNA position 1102, G replaced by A.
Protein change: p.Asp368Asn; replaces aspartic acid 368 with asparagine.
Molecular consequence: missense variant. On other transcripts: 5 prime UTR variant (1).
Genome position (GRCh38, 1-based): chr8:13,401,541, C>T on the plus strand (G>A on the coding strand, the complement: DLC1 is on the minus strand). VCF-style: chr8-13401541-C-T. GRCh37 (hg19) VCF-style: chr8-13259050-C-T.
Other names: c.1102G>A, p.Asp368Asn (NM_001348081.2, NM_001413124.1, NM_001413125.1 and 1 more transcripts); c.-350G>A (NM_001348082.2); short protein forms D368N.
Identifiers: ClinVar variation 2041310 (VCV002041310.4), dbSNP rs758317350, ClinGen allele CA4639278.

ClinVar aggregate classification (germline): Uncertain significance (1 of 4 stars; one submission).

Allele frequency attached by ClinVar (database versions not stated): gnomAD exomes 0.00012; ExAC 0.00018.
gnomAD v4.1: 169 of 1,613,354 alleles (0.01%); highest among the groups gnomAD compares: South Asian, 0.18%; 1 homozygote.

Submission:

Labcorp Genetics (formerly Invitae), Labcorp
Classification: Uncertain significance. Last evaluated: 2025-04-17. Review status: criteria provided, single submitter. Criteria: Invitae Variant Classification Sherloc (09022015). Collection method: clinical testing. Allele origin: germline.
Comment: This sequence change replaces aspartic acid, which is acidic and polar, with asparagine, which is neutral and polar, at codon 368 of the DLC1 protein (p.Asp368Asn). This variant is present in population databases (rs758317350, gnomAD 0.2%), and has an allele count higher than expected for a pathogenic variant. This variant has not been reported in the literature in individuals affected with DLC1-related conditions. ClinVar contains an entry for this variant (Variation ID: 2041310). An algorithm developed to predict the effect of missense changes on protein structure and function (PolyPhen-2) suggests that this variant is likely to be disruptive. In summary, the available evidence is currently insufficient to determine the role of this variant in disease. Therefore, it has been classified as a Variant of Uncertain Significance.